The following is an entry in ClinVar:

ClinVar aggregate classification (germline): Benign. Review status: criteria provided, single submitter (1 of 4 stars). 2 submissions from 2 submitters: Benign (1). 1 of the submissions does not count toward it. Last evaluated 2020-10-18.

Conditions:
ASXL3-related disorder. Also called: ASXL3-related condition. Identifiers: MedGen CN381524.

Allele frequency attached by ClinVar (database versions not stated): gnomAD exomes 0.00003 and 0.00011; TOPMed 0.00004; gnomAD 0.00006 and 0.00007; ExAC 0.00016; 1000 Genomes Project 30x 0.00031; 1000 Genomes Project 0.00040.
gnomAD v4.1: 51 of 1,613,976 alleles (0.0032%); highest among the groups gnomAD compares: East Asian, 0.11%; no homozygotes.

Submissions (2):

GeneDx
Classification: Benign. Last evaluated: 2020-10-18. Review status: criteria provided, single submitter. Criteria: GeneDx Variant Classification Process June 2021. Collection method: clinical testing. Allele origin: germline. Affected: yes.

PreventionGenetics, part of Exact Sciences
Classification: Likely benign for ASXL3-related condition. Last evaluated: 2022-04-04. Review status: no assertion criteria provided. Collection method: clinical testing. Allele origin: germline. Not counted in ClinVar's aggregate classification.
Comment: This variant is classified as likely benign based on ACMG/AMP sequence variant interpretation guidelines (Richards et al. 2015 PMID: 25741868, with internal and published modifications).

NM_030632.3(ASXL3):c.5985C>T (p.Pro1995=)

Gene: ASXL3 (ASXL transcriptional regulator 3; plus strand). Cytogenetic location: 18q12.1.
Variant type: single nucleotide variant.
Coding change: c.5985C>T on transcript NM_030632.3 (MANE Select); coding-DNA position 5985, C replaced by T.
Protein change: p.Pro1995=; no amino-acid change (proline 1995 retained).
Molecular consequence: synonymous variant.
Genome position (GRCh38, 1-based): chr18:33,745,833, C>T. VCF-style: chr18-33745833-C-T. GRCh37 (hg19) VCF-style: chr18-31325797-C-T.
Other names: c.5985C>T (NM_030632.2).
Identifiers: ClinVar variation 1238262 (VCV001238262.5), dbSNP rs547996263, ClinGen allele CA8934514.